The following is an entry in ClinVar:

NM_004004.6(GJB2):c.250G>T (p.Val84Leu)

Gene: GJB2 (gap junction protein beta 2; minus strand). Cytogenetic location: 13q12.11.
Variant type: single nucleotide variant.
Coding change: c.250G>T on transcript NM_004004.6 (MANE Select); coding-DNA position 250, G replaced by T.
Protein change: p.Val84Leu; replaces valine 84 with leucine.
Molecular consequence: missense variant.
Genome position (GRCh38, 1-based): chr13:20,189,332, C>A on the plus strand (G>T on the coding strand, the complement: GJB2 is on the minus strand). VCF-style: chr13-20189332-C-A. GRCh37 (hg19) VCF-style: chr13-20763471-C-A.
Other names: short protein forms V84L.
Identifiers: ClinVar variation 167134 (VCV000167134.59), dbSNP rs104894409, ClinGen allele CA234087.

ClinVar aggregate classification (germline): Pathogenic. Review status: criteria provided, multiple submitters, no conflicts (2 of 4 stars). 13 submissions from 13 submitters: Pathogenic (12). 1 of the submissions does not count toward it. Last evaluated 2026-07-28.

Conditions:
GJB2-related disorder. Also called: GJB2-related condition; GJB2-related disorders. Identifiers: MedGen CN382183, MONDO:1060236.
Autosomal recessive nonsyndromic hearing loss 1A (DFNB1A). Also called: GJB2-Related Autosomal Recessive Nonsyndromic Hearing Loss; GJB6-Related DFNB 1 Nonsyndromic Hearing Loss and Deafness; Connexin 26 deafness; Deafness nonsyndromic, Connexin 26 linked; Nonsyndromic Hearing Loss and Deafness, DFNB1; Deafness, autosomal recessive 1A. Identifiers: Orphanet 90636, MedGen C2673759, MONDO:0009076, OMIM 220290.

gnomAD v4.1: 9 of 1,614,092 alleles (0.00056%); highest among the groups gnomAD compares: Admixed American, 0.005%; no homozygotes.

Submissions (13):

PreventionGenetics, part of Exact Sciences
Classification: Pathogenic for GJB2-related condition. Last evaluated: 2026-07-28. Review status: criteria provided, single submitter. Criteria: ACMG Guidelines, 2015. Collection method: clinical testing. Allele origin: germline.
Comment: The GJB2 c.250G>T variant is predicted to result in the amino acid substitution p.Val84Leu. This variant has been reported in the homozygous and presumed compound heterozygous states in multiple individuals with nonsyndromic hearing loss (Putcha et al. 2007. PubMed ID: 17666888; Carranza et al. 2016. PubMed ID: 26346709). In vitro functional studies have demonstrated that the p.Val84Leu variant does not alter connexin-26 protein trafficking, pore formation, or ion conductance but does lead to significantly impaired intercellular Ca2+ signaling by reducing the channel permeability of second messenger inositol 1,4,5-triphosphate (IP3) (Beltramello et al. 2005. PubMed ID: 15592461; Zhang et al. 2005. PubMed ID: 16217030; Ambrosi et al. 2010. PubMed ID: 20441744). This variant is reported in 0.0087% of alleles in individuals of Latino descent in gnomAD. An alternate nucleotide substitution (c.250G>C) leading to the same missense change (p.Val84Leu) and alternate missense substitutions of the same amino acid (p.Val48Met, p.Val48Ala) have also been reported in individuals with hearing loss (Kelley et al. 1998. PubMed ID: 9529365; Pandya et al. 2003. PubMed ID: 12865758; Mahdieh et al. 2011. PubMed ID: 21388256; Carranza et al. 2016. PubMed ID: 26346709; Buonfiglio et al. 2020. PubMed ID: 33096615). In the context of autosomal recessive hearing loss this variant is interpreted as pathogenic.

Natera, Inc.
Classification: Pathogenic for Autosomal recessive deafness type 1A. Last evaluated: 2026-01-23. Review status: criteria provided, single submitter. Criteria: Natera Variant Classification Schema (03/2026). Collection method: clinical testing. Allele origin: germline.
Comment: The c.250G>T variant in GJB2 is a missense variant predicted to cause substitution of valine to leucine at amino acid 84. This variant is rare in the general population with a frequency below the threshold expected for the associated phenotype(s). This variant has been observed in one or more individuals affected with the associated recessive disease, as either homozygous or compound heterozygous with a second variant (PMID: 26346709, 17666888, 34744965, 31160754). Computational prediction algorithms indicate this variant is likely to affect gene or protein function. Given the available evidence, this variant is classified as Pathogenic.

Women's Health and Genetics/Laboratory Corporation of America, LabCorp
Classification: Pathogenic for Autosomal recessive nonsyndromic hearing loss 1A. Last evaluated: 2025-05-09. Review status: criteria provided, single submitter. Criteria: LabCorp Variant Classification Summary - May 2015. Collection method: clinical testing. Allele origin: germline.
Comment: Variant summary: GJB2 c.250G>T (p.Val84Leu) results in a conservative amino acid change located in the Connexin, N-terminal domain (IPR013092) of the encoded protein sequence. Algorithms developed to predict the effect of missense changes on protein structure and function are either unavailable or do not agree on the potential impact of this missense change. The variant allele was found at a frequency of 1.6e-05 in 251338 control chromosomes (gnomAD). c.250G>T has been observed in compound heterozygous and homozygous state, in multiple individuals affected with Autosomal Recessive Non-Syndromic Hearing Loss (e.g. Kenna_2001, Wu_2002, Snoeckx_2005, Putcha_2007, Minami_2013, Carranza_2016). These data indicate that the variant is very likely to be associated with disease. Experimental evidence evaluating an impact on protein function demonstrated the variant retains electrophysiological properties but affects the intercellular exchange of large molecules (such as IP3 transfer) (e.g. Bruzzone_2003, Wang_2003, Beltramello_2005, Zhang_2005, Ambrosi_2010). The following publications have been ascertained in the context of this evaluation (PMID: 20441744, 15592461, 12505163, 26346709, 11556849, 24013081, 17666888, 16380907, 12562518, 12172394, 16217030). ClinVar contains an entry for this variant (Variation ID: 167134). Based on the evidence outlined above, the variant was classified as pathogenic.

Athena Diagnostics
Classification: Pathogenic. Last evaluated: 2025-03-11. Review status: criteria provided, single submitter. Criteria: Athena Diagnostics Criteria. Collection method: clinical testing. Allele origin: unknown.
Comment: The frequency of this variant in the general population is consistent with pathogenicity. This variant has been identified in multiple unrelated individuals with nonsyndromic hearing loss. This variant results in the same amino acid change as another variant considered to be pathogenic or likely pathogenic, strongly indicating this variant may also cause disease. Assessment of experimental evidence suggests this variant results in abnormal protein function. (PMID:15592461, 16217030) In multiple individuals, this variant has been seen with a single recessive pathogenic variant in the same gene, suggesting this variant may also be pathogenic.

CeGaT Center for Human Genetics Tuebingen
Classification: Pathogenic. Last evaluated: 2025-02-01. Review status: criteria provided, single submitter. Criteria: CeGaT Center For Human Genetics Tuebingen Variant Classification Criteria Version 2. Collection method: clinical testing. Allele origin: germline. Affected: yes. Observed: 1 variant allele.
Comment: GJB2: PS1, PM1, PM2, PM5, PP3, PS3:Supporting

Labcorp Genetics (formerly Invitae), Labcorp
Classification: Pathogenic. Last evaluated: 2025-01-20. Review status: criteria provided, single submitter. Criteria: Invitae Variant Classification Sherloc (09022015). Collection method: clinical testing. Allele origin: germline.
Comment: This sequence change replaces valine, which is neutral and non-polar, with leucine, which is neutral and non-polar, at codon 84 of the GJB2 protein (p.Val84Leu). This variant is present in population databases (rs104894409, gnomAD 0.01%). This missense change has been observed in individuals with autosomal recessive deafness (PMID: 11556849, 12172394, 16380907, 19235794, 24013081, 26346709). ClinVar contains an entry for this variant (Variation ID: 167134). Invitae Evidence Modeling of protein sequence and biophysical properties (such as structural, functional, and spatial information, amino acid conservation, physicochemical variation, residue mobility, and thermodynamic stability) indicates that this missense variant is expected to disrupt GJB2 protein function with a positive predictive value of 95%. Experimental studies have shown that this missense change affects GJB2 function (PMID: 12505163, 12562518, 15592461, 16217030, 20441744). For these reasons, this variant has been classified as Pathogenic.

Blueprint Genetics
Classification: Pathogenic for GJB2-related disorders. Last evaluated: 2022-10-28. Review status: criteria provided, single submitter. Criteria: ACMG Guidelines, 2015. Collection method: clinical testing. Allele origin: germline. Affected: yes. Observed: 2 variant alleles.

GeneDx
Classification: Pathogenic. Last evaluated: 2022-06-07. Review status: criteria provided, single submitter. Criteria: GeneDx Variant Classification Process June 2021. Collection method: clinical testing. Allele origin: germline. Affected: yes.
Comment: Published functional studies demonstrate the variant interferes with the metabolic coupling function of the GJB2 protein (Beltramello et al., 2005); This variant is associated with the following publications: (PMID: 12189487, 14985372, 20441744, 12505163, 12562518, 11556849, 9529365, 15592461, 26346709, 16380907, 17426645, 17666888, 31160754)

Revvity Omics, Revvity
Classification: Pathogenic. Last evaluated: 2020-04-04. Review status: criteria provided, single submitter. Criteria: ACMG Guidelines, 2015. Collection method: clinical testing. Allele origin: germline.

ARUP Laboratories, Molecular Genetics and Genomics, ARUP Laboratories
Classification: Pathogenic. Last evaluated: 2019-05-30. Review status: criteria provided, single submitter. Criteria: ARUP Molecular Germline Variant Investigation Process. Collection method: clinical testing. Allele origin: germline.
Comment: The GJB2 c.250G>T; p.Val84Leu variant (rs104894409), as well as another variant generating the same amino acid substitution (c.250G>C; p.Val84Leu), are reported in the literature in multiple individuals affected with nonsyndromic hearing loss (NSHL) (Cryns 2004, Snoeckx 2005), including individuals also carrying the pathogenic c.35delG variant (Putcha 2007). The c.250G>T; p.Val84Leu variant is reported as pathogenic by multiple laboratories in ClinVar (Variation ID: 167134), and is only observed on four alleles in the Genome Aggregation Database, indicating it is not a common polymorphism. The valine at codon 84 is highly conserved, and computational analyses (SIFT, PolyPhen-2) predict that this variant is deleterious. Functional tests indicate that, while the variant protein can form functional channels capable of electrical coupling (Ambrosi 2010, Bruzzone 2003), the p.Val84Leu substitution results in reduced permeability to inositol 1,4,5-trisphosphate (Beltramello 2005). Based on available information, this variant is considered to be pathogenic. References: Ambrosi et al. Analysis of four connexin26 mutant gap junctions and hemichannels reveals variations in hexamer stability. Biophys J. 2010 98(9): 1809-1819. Beltramello et al. Impaired permeability to Ins(1,4,5)P3 in a mutant connexin underlies recessive hereditary deafness. Nat Cell Biol. 2005 7(1):63-69. Bruzzone et al. Loss-of-function and residual channel activity of connexin26 mutations associated with non-syndromic deafness. FEBS Lett. 2003 533(1-3): 79-88. Cryns et al. A genotype-phenotype correlation for GJB2 (connexin 26) deafness. J Med Genet. 2004 41(3): 147-154. Putcha et al. A multicenter study of the frequency and distribution of GJB2 and GJB6 mutations in a large North American cohort. Genet Med. 2007 9(7): 413-426. Snoeckx et al. GJB2 mutations and degree of hearing loss: a multicenter study. Am J Hum Genet. 2005 77(6): 945-957.

Eurofins Ntd Llc (ga)
Classification: Pathogenic. Last evaluated: 2014-02-24. Review status: criteria provided, single submitter. Criteria: EGL Classification Definitions. Collection method: clinical testing. Allele origin: germline. Observed: 7 variant alleles, 7 heterozygotes.

Juno Genomics, Hangzhou Juno Genomics, Inc
Classification: Pathogenic for Autosomal recessive nonsyndromic hearing loss 1A. Review status: criteria provided, single submitter. Criteria: ACMG Guidelines, 2015. Collection method: clinical testing. Allele origin: germline. Affected: yes.
Comment: Absent from controls (or at extremely low frequency if recessive) in Genome Aggregation Database, Exome Sequencing Project, 1000 Genomes Project, or Exome Aggregation Consortium.;Same amino acid change as a previously established pathogenic variant regardless of nucleotide change.;For recessive disorders, detected in trans with a pathogenic variant.;Well-established in vitro or in vivo functional studies supportive of a damaging effect on the gene or gene product.

Counsyl
Classification: Pathogenic for Autosomal recessive nonsyndromic hearing loss 1A. Last evaluated: 2017-11-13. Review status: no assertion criteria provided. Collection method: clinical testing. Allele origin: unknown. Not counted in ClinVar's aggregate classification.

Literature cited by the submitters: PubMed 26346709 (cited by 5 submitters); PubMed 17666888 (cited by 4 submitters); PubMed 34744965 (cited by Natera, Inc.); PubMed 31160754 (cited by Natera, Inc. and Athena Diagnostics); PubMed 11556849 (cited by 4 submitters); PubMed 16380907 (cited by 3 submitters); PubMed 12505163 (cited by 4 submitters); PubMed 12562518 (cited by 4 submitters); PubMed 12172394 (cited by 3 submitters); PubMed 15592461 (cited by 4 submitters); PubMed 16217030 (cited by 4 submitters); PubMed 20441744 (cited by 4 submitters); PubMed 24013081 (cited by 4 submitters); PubMed 19235794 (cited by Athena Diagnostics and Labcorp Genetics (formerly Invitae), Labcorp); PubMed 33096615 (cited by Athena Diagnostics); PubMed 26188157 (cited by Athena Diagnostics); PubMed 24158611 (cited by Athena Diagnostics); PubMed 20083784 (cited by Athena Diagnostics); PubMed 16849369 (cited by Counsyl); PubMed 26778469 (cited by Counsyl); PubMed 23555729 (cited by Counsyl); PubMed 14985372 (cited by Counsyl); PubMed 11313763 (cited by Counsyl).